The following is an entry in ClinVar:

ClinVar aggregate classification (germline): Uncertain significance (1 of 4 stars; one submission).

Allele frequency attached by ClinVar (database versions not stated): gnomAD exomes below 0.00001; ExAC 0.00001.

Submission:

Labcorp Genetics (formerly Invitae), Labcorp
Classification: Uncertain significance. Last evaluated: 2022-05-28. Review status: criteria provided, single submitter. Criteria: Invitae Variant Classification Sherloc (09022015). Collection method: clinical testing. Allele origin: germline.
Comment: In summary, the available evidence is currently insufficient to determine the role of this variant in disease. Therefore, it has been classified as a Variant of Uncertain Significance. Variants that disrupt the consensus splice site are a relatively common cause of aberrant splicing (PMID: 17576681, 9536098). Algorithms developed to predict the effect of sequence changes on RNA splicing suggest that this variant may create or strengthen a splice site. This variant has not been reported in the literature in individuals affected with NDUFS3-related conditions. This variant is present in population databases (rs765027279, gnomAD 0.007%). This sequence change falls in intron 6 of the NDUFS3 gene. It does not directly change the encoded amino acid sequence of the NDUFS3 protein. It affects a nucleotide within the consensus splice site.

Literature cited by the submitters: PubMed 17576681; PubMed 9536098.

NM_004551.3(NDUFS3):c.627+5G>A

Gene: NDUFS3 (NADH:ubiquinone oxidoreductase core subunit S3; plus strand). Cytogenetic location: 11p11.2.
Variant type: single nucleotide variant.
Coding change: c.627+5G>A on transcript NM_004551.3 (MANE Select); 5 bases into the intron after coding-DNA position 627, G replaced by A.
Molecular consequence: intron variant.
Genome position (GRCh38, 1-based): chr11:47,582,473, G>A. VCF-style: chr11-47582473-G-A. GRCh37 (hg19) VCF-style: chr11-47604025-G-A.
Identifiers: ClinVar variation 2123496 (VCV002123496.4), dbSNP rs765027279, ClinGen allele CA5978041.